The following continues an entry in ClinVar:

NM_014946.4(SPAST):c.1496G>A (p.Arg499His)

Gene: SPAST. ClinVar aggregate classification (germline): Pathogenic/Likely pathogenic. Pathogenic (26); Likely pathogenic (2).

Submissions 8 to 32 of 32:

Victorian Clinical Genetics Services, Murdoch Childrens Research Institute
Classification: Pathogenic for Hereditary spastic paraplegia 4. Last evaluated: 2022-03-31. Review status: criteria provided, single submitter. Criteria: ACMG Guidelines, 2015. Collection method: clinical testing. Allele origin: germline. Inheritance: Autosomal dominant inheritance.
Comment: Based on the classification scheme VCGS_Germline_v1.3.4, this variant is classified as Pathogenic. Following criteria are met: 0103 - Dominant Negative and loss-of-function are known mechanisms of disease for this gene and are associated with spastic paraplegia 4 (MIM#182601). Multiple loss of function variants have been reported, while a dominant negative mechanism has been associated with a small number of missense variants (ClinVar; PMID: 30006150). (I) 0107 - This gene is associated with autosomal dominant disease. (I) 0112 - The condition associated with this gene has incomplete penetrance, but is mostly age-dependant penetrance and only a small proportion of individuals remain asymptomatic (PMID: 30476002). (I) 0115 - Variants in this gene are known to have variable expressivity, with variable age of onset and disease severity (PMID: 30476002). (I) 0200 - Variant is predicted to result in a missense amino acid change from arginine to histidine. (I) 0251 - This variant is heterozygous. (I) 0301 - Variant is absent from gnomAD (both v2 and v3). (SP) 0801 - This variant has very strong previous evidence of pathogenicity in unrelated individuals. It is a recurrent variant in individuals with spastic paraplegia, often occured de novo and has highly variable expressivity (ClinVar, DECIPHER, PMID: 34753439). (SP) 0600 - Variant is located in the annotated AAA domain (DECIPHER). (I) 0501 - Missense variant consistently predicted to be damaging by multiple in silico tools or highly conserved with a major amino acid change. (SP) 1208 - Inheritance information for this variant is not currently available in this individual. (I) Legend: (SP) - Supporting pathogenic, (I) - Information, (SB) - Supporting benign

CENTOGENE GmbH and LLC - Guiding Precision Medicine
Classification: Pathogenic for Hereditary spastic paraplegia 4. Last evaluated: 2021-09-23. Review status: criteria provided, single submitter. Criteria: ACMG Guidelines, 2015. Collection method: clinical testing. Allele origin: de novo. Affected: yes.

Kariminejad - Najmabadi Pathology & Genetics Center
Classification: Pathogenic for Abnormal central motor function. Last evaluated: 2021-07-10. Review status: criteria provided, single submitter. Criteria: ACMG Guidelines, 2015. Collection method: clinical testing. Allele origin: germline. Affected: yes.

Genome Diagnostics Laboratory, The Hospital for Sick Children
Classification: Pathogenic for Hereditary spastic paraplegia. Last evaluated: 2020-12-16. Review status: criteria provided, single submitter. Criteria: ACMG Guidelines, 2015. Collection method: clinical testing. Allele origin: germline. Affected: yes.

Institute of Medical Genetics and Applied Genomics, University Hospital Tübingen
Classification: Pathogenic. Last evaluated: 2020-10-23. Review status: criteria provided, single submitter. Criteria: ACMG Guidelines, 2015. Collection method: clinical testing. Allele origin: germline. Inheritance: Unknown mechanism. Affected: yes.

Institute of Human Genetics Munich, TUM University Hospital
Classification: Pathogenic for Hereditary spastic paraplegia 4. Last evaluated: 2020-08-12. Review status: criteria provided, single submitter. Criteria: Classification criteria August 2017. Collection method: clinical testing. Allele origin: de novo. Inheritance: Autosomal dominant inheritance. Affected: yes. Observed: 3 variant alleles. Clinical features observed: Global developmental delay (HP:0001263), Spasticity (HP:0001257), Dystonic disorder (HP:0001332), Intellectual disability (HP:0001249), Dysarthria (HP:0001260), Spastic tetraparesis (HP:0001285), Hypomimic face (HP:0000338).

Blueprint Genetics
Classification: Pathogenic for SPAST-related disorders. Last evaluated: 2020-07-02. Review status: criteria provided, single submitter. Criteria: ACMG Guidelines, 2015. Collection method: clinical testing. Allele origin: germline. Affected: yes. Observed: 3 variant alleles.

Mendelics
Classification: Pathogenic for Hereditary spastic paraplegia 4. Last evaluated: 2019-05-28. Review status: criteria provided, single submitter. Criteria: Mendelics Assertion Criteria 2017. Collection method: clinical testing. Allele origin: unknown.

Mayo Clinic Laboratories, Mayo Clinic
Classification: Pathogenic. Last evaluated: 2019-05-12. Review status: criteria provided, single submitter. Criteria: ACMG Guidelines, 2015. Collection method: clinical testing. Allele origin: germline. Observed: 1 variant allele.
Comment: PS4, PM1, PM2, PM5, PM6, PP1

Molecular Genetics Laboratory, BC Children's and BC Women's Hospitals
Classification: Pathogenic for Hereditary spastic paraplegia 4. Last evaluated: 2018-08-21. Review status: criteria provided, single submitter. Criteria: ACMG Guidelines, 2015. Collection method: clinical testing. Allele origin: germline. Affected: yes.

Baylor Genetics
Classification: Pathogenic for Hereditary spastic paraplegia 4. Last evaluated: 2017-12-31. Review status: criteria provided, single submitter. Criteria: ACMG Guidelines, 2015. Collection method: clinical testing. Allele origin: germline. Affected: yes.

Genome Diagnostics Laboratory, University Medical Center Utrecht
Classification: Pathogenic for Hereditary spastic paraplegia 4. Last evaluated: 2017-07-28. Review status: criteria provided, single submitter. Criteria: ACGS Guidelines, 2013. Collection method: clinical testing. Allele origin: germline. Affected: yes. Study: VKGL Data-share Consensus.

Athena Diagnostics
Classification: Pathogenic. Last evaluated: 2017-02-21. Review status: criteria provided, single submitter. Criteria: Athena Diagnostics Criteria. Collection method: clinical testing. Allele origin: germline.

Genome Diagnostics Laboratory, Amsterdam University Medical Center
Classification: Pathogenic for Hereditary spastic paraplegia 4. Last evaluated: 2016-10-14. Review status: criteria provided, single submitter. Criteria: ACGS Guidelines, 2013. Collection method: clinical testing. Allele origin: germline. Affected: yes. Study: VKGL Data-share Consensus.

Institute of Human Genetics, University of Leipzig Medical Center
Classification: Pathogenic for Hereditary spastic paraplegia 4. Last evaluated: 2016-06-17. Review status: criteria provided, single submitter. Criteria: ACMG Guidelines, 2015. Collection method: clinical testing. Allele origin: de novo. Affected: yes. Observed: 1 variant allele.
Comment: This variant was identified as de novo (maternity and paternity confirmed).

Ambry Genetics
Classification: Likely pathogenic for Inborn genetic diseases. Last evaluated: 2016-03-17. Review status: criteria provided, single submitter. Criteria: Ambry exome assertion method (8-5-2015). Collection method: clinical testing. Allele origin: germline. Affected: yes. Observed: 1 variant allele.

Clinical Genetics Service, Universitary Hospital 12 de Octubre
Classification: Pathogenic for Hereditary spastic paraplegia 4. Review status: criteria provided, single submitter. Criteria: ACMG Guidelines, 2015. Collection method: clinical testing. Allele origin: germline. Affected: yes.

Juno Genomics, Hangzhou Juno Genomics, Inc
Classification: Pathogenic for Hereditary spastic paraplegia 4. Review status: criteria provided, single submitter. Criteria: ACMG Guidelines, 2015. Collection method: clinical testing. Allele origin: germline.
Comment: Absent from controls (or at extremely low frequency if recessive) in Genome Aggregation Database.;Multiple lines of computational evidence support a deleterious effect on the gene or gene product.;Novel missense change at an amino acid residue where a different missense change determined to be pathogenic has been seen before.;De novo (both maternity and paternity confirmed) in a patient with the disease and no family history.;The prevalence of the variant in affected individuals is significantly increased compared to the prevalence in controls.

National Institute of Neuroscience, National Center of Neurology and Psychiatry
Classification: Pathogenic for Hereditary spastic paraplegia 4. Review status: criteria provided, single submitter. Criteria: ACMG Guidelines, 2015. Collection method: research. Allele origin: maternal. Affected: yes. Observed: 2 variant alleles.

Neurogenetics Laboratory, Gh Pitie Salpetriere Aphp
Classification: Likely pathogenic for Hereditary spastic paraplegia 4. Review status: criteria provided, single submitter. Criteria: ACMG Guidelines, 2015. Collection method: clinical testing. Allele origin: unknown. Affected: yes.

Paris Brain Institute, Inserm - ICM
Classification: Pathogenic for Hereditary spastic paraplegia 4. Review status: criteria provided, single submitter. Criteria: ACMG Guidelines, 2015. Collection method: clinical testing. Allele origin: unknown. Affected: yes. Observed: 3 variant alleles.

Human Genetics, University of Luebeck
Classification: Pathogenic for Hereditary spastic paraplegia 4. Last evaluated: 2022-12-01. Review status: no assertion criteria provided. Collection method: clinical testing. Allele origin: germline. Affected: yes. Not counted in ClinVar's aggregate classification.

Biochemical Molecular Genetic Laboratory, King Abdulaziz Medical City
Classification: Pathogenic for Hereditary spastic paraplegia 4. Last evaluated: 2019-09-26. Review status: no assertion criteria provided. Collection method: clinical testing. Allele origin: germline. Affected: yes. Not counted in ClinVar's aggregate classification.

Joint Genome Diagnostic Labs from Nijmegen and Maastricht, Radboudumc and MUMC+
Classification: Pathogenic. Review status: no assertion criteria provided. Collection method: clinical testing. Allele origin: germline. Affected: yes. Study: VKGL Data-share Consensus. Not counted in ClinVar's aggregate classification.

Eurofins Ntd Llc (ga)
Classification: Uncertain significance. Last evaluated: 2016-01-29. Review status: flagged submission. Criteria: EGL Classification Definitions 2015. Collection method: clinical testing. Allele origin: germline. Observed: 1 variant allele, 1 heterozygote. Not counted in ClinVar's aggregate classification.
ClinVar note: Reason: Older and outlier claim with insufficient supporting evidence

Literature cited by the submitters: PubMed 16009769 (cited by 7 submitters); PubMed 16055926 (cited by 5 submitters); PubMed 16682546 (cited by 3 submitters); PubMed 18701882 (cited by 3 submitters); PubMed 20562464 (cited by Labcorp Genetics (formerly Invitae), Labcorp); PubMed 15095758 (cited by Labcorp Genetics (formerly Invitae), Labcorp); PubMed 15716377 (cited by Labcorp Genetics (formerly Invitae), Labcorp); PubMed 10610178 (cited by 3billion and Ambry Genetics); PubMed 27260292 (cited by 5 submitters); PubMed 29421991 (cited by 4 submitters); PubMed 29761117 (cited by Women's Health and Genetics/Laboratory Corporation of America, LabCorp and Mayo Clinic Laboratories, Mayo Clinic); PubMed 35599849 (cited by Women's Health and Genetics/Laboratory Corporation of America, LabCorp); PubMed 30006150 (cited by Victorian Clinical Genetics Services, Murdoch Childrens Research Institute); PubMed 30476002 (cited by Victorian Clinical Genetics Services, Murdoch Childrens Research Institute); PubMed 34753439 (cited by Victorian Clinical Genetics Services, Murdoch Childrens Research Institute); PubMed 30564185 (cited by Mayo Clinic Laboratories, Mayo Clinic); PubMed 29980238 (cited by Mayo Clinic Laboratories, Mayo Clinic); PubMed 29112992 (cited by Mayo Clinic Laboratories, Mayo Clinic); PubMed 25045380 (cited by Mayo Clinic Laboratories, Mayo Clinic and Athena Diagnostics); PubMed 27871443 (cited by Athena Diagnostics); PubMed 18202664 (cited by Ambry Genetics); PubMed 21888932 (cited by Ambry Genetics); PubMed 11809724 (cited by Ambry Genetics); PubMed 10699187 (cited by Ambry Genetics); PubMed 33624935 (cited by National Institute of Neuroscience, National Center of Neurology and Psychiatry).